The following is an entry in ClinVar:

ClinVar aggregate classification (germline): Uncertain significance (1 of 4 stars; one submission).

Submission:

GeneDx
Classification: Uncertain significance. Last evaluated: 2024-10-02. Review status: criteria provided, single submitter. Criteria: GeneDx Variant Classification Process June 2021. Collection method: clinical testing. Allele origin: germline. Affected: yes.
Comment: Not observed at significant frequency in large population cohorts (gnomAD); In silico analysis indicates that this missense variant does not alter protein structure/function; Has not been previously published as pathogenic or benign to our knowledge

NM_001130438.3(SPTAN1):c.5192C>G (p.Thr1731Ser)

Gene: SPTAN1 (spectrin alpha, non-erythrocytic 1; plus strand). Cytogenetic location: 9q34.11.
Variant type: single nucleotide variant.
Coding change: c.5192C>G on transcript NM_001130438.3 (MANE Select); coding-DNA position 5192, C replaced by G.
Protein change: p.Thr1731Ser; replaces threonine 1731 with serine.
Molecular consequence: missense variant.
Genome position (GRCh38, 1-based): chr9:128,615,675, C>G. VCF-style: chr9-128615675-C-G. GRCh37 (hg19) VCF-style: chr9-131377954-C-G.
Other names: c.5117C>G, p.Thr1706Ser (NM_001195532.2); c.5192C>G, p.Thr1731Ser (NM_001363759.2, NM_001375310.1, NM_001375311.2 and 1 more transcripts); c.5132C>G, p.Thr1711Ser (NM_001363765.2, NM_001375314.2); c.5228C>G, p.Thr1743Ser (NM_001375312.2, NM_001375318.1); c.5177C>G, p.Thr1726Ser (NM_003127.4); short protein forms T1706S, T1711S, T1726S, T1731S, T1743S.
Identifiers: ClinVar variation 3776612 (VCV003776612.1).
Genomic context (GRCh38, chr9:128,615,675, plus strand): 5'-TATGTCCCCTGCCCCAGGATCGCCTGAAGGACCTGAACAGCCAGGCAGACAGCCTGATGA[C>G]CAGCAGTGCCTTCGACACCTCCCAAGTAAAGGACAAGAGGGACACCATCAACGGGCGCTT-3'
Protein context (NP_001123910.1, residues 1721-1741): DLNSQADSLM[Thr1731Ser]SSAFDTSQVK